The following is an entry in ClinVar:

ClinVar aggregate classification (germline): Uncertain significance (1 of 4 stars; one submission).

Conditions:
Spermatogenic failure 18. Identifiers: MedGen C4539783, MONDO:0054615, OMIM 617576.
Ciliary dyskinesia, primary, 37 (CILD37). Also called: CILIARY DYSKINESIA, PRIMARY, 37, WITH OR WITHOUT SITUS INVERSUS. Identifiers: MedGen C4539798, MONDO:0033204, OMIM 617577.

Allele frequency attached by ClinVar (database versions not stated): TOPMed below 0.00001.

Submission:

Labcorp Genetics (formerly Invitae), Labcorp
Classification: Uncertain significance for Ciliary dyskinesia, primary, 37; Spermatogenic failure 18. Last evaluated: 2021-02-05. Review status: criteria provided, single submitter. Criteria: Invitae Variant Classification Sherloc (09022015). Collection method: clinical testing. Allele origin: germline.
Comment: In summary, the available evidence is currently insufficient to determine the role of this variant in disease. Therefore, it has been classified as a Variant of Uncertain Significance. Algorithms developed to predict the effect of sequence changes on RNA splicing suggest that this variant may disrupt the consensus splice site, but this prediction has not been confirmed by published transcriptional studies. Algorithms developed to predict the effect of missense changes on protein structure and function (SIFT, PolyPhen-2, Align-GVGD) all suggest that this variant is likely to be tolerated, but these predictions have not been confirmed by published functional studies and their clinical significance is uncertain. This variant has not been reported in the literature in individuals with DNAH1-related conditions. This variant is not present in population databases (ExAC no frequency). This sequence change replaces alanine with proline at codon 1982 of the DNAH1 protein (p.Ala1982Pro). The alanine residue is moderately conserved and there is a small physicochemical difference between alanine and proline.

NM_015512.5(DNAH1):c.5944G>C (p.Ala1982Pro)

Gene: DNAH1 (dynein axonemal heavy chain 1; plus strand). Cytogenetic location: 3p21.1.
Variant type: single nucleotide variant.
Coding change: c.5944G>C on transcript NM_015512.5 (MANE Select); coding-DNA position 5944, G replaced by C.
Protein change: p.Ala1982Pro; replaces alanine 1982 with proline.
Molecular consequence: missense variant.
Genome position (GRCh38, 1-based): chr3:52,369,825, G>C. VCF-style: chr3-52369825-G-C. GRCh37 (hg19) VCF-style: chr3-52403841-G-C.
Other names: short protein forms A1982P.
Identifiers: ClinVar variation 1057580 (VCV001057580.5), dbSNP rs1703246950, ClinGen allele CA353154556.